The following is an entry in ClinVar:

NM_004360.5(CDH1):c.1935_1936+9del

Gene: CDH1 (cadherin 1; plus strand). Cytogenetic location: 16q22.1.
Variant type: Deletion.
Coding change: c.1935_1936+9del on transcript NM_004360.5 (MANE Select); coding-DNA position 1935 through 9 bases into the intron after coding-DNA position 1936, 11 bases deleted (AAGTGGGTACC).
Molecular consequence: splice donor variant.
Genome position (GRCh38, 1-based): chr16:68,822,224-68,822,234, AAGTGGGTACC deleted; deleting any 11 consecutive bases within chr16:68,822,222-68,822,234 gives the same sequence; the c. name uses the placement nearest the transcript's 3' end. VCF-style (leftmost placement, unchanged base first): chr16-68822221-CCCAAGTGGGTA-C. GRCh37 (hg19) VCF-style: chr16-68856124-CCCAAGTGGGTA-C.
Other names: c.387_388+9del (NM_001317185.2); c.-31_-30+9del (NM_001317186.2); c.1752_1753+9del (NM_001317184.2).
Identifiers: ClinVar variation 2583671 (VCV002583671.2), dbSNP rs2543943025, ClinGen allele CA2582342533.

ClinVar aggregate classification (germline): Pathogenic (1 of 4 stars; one submission).

Conditions:
Hereditary diffuse gastric adenocarcinoma (HDGC). Also called: DIFFUSE GASTRIC AND LOBULAR BREAST CANCER SYNDROME. Identifiers: Orphanet 26106, MedGen C1708349, MONDO:0007648, OMIM 137215.

Submission:

Myriad Genetics, Inc.
Classification: Pathogenic for Hereditary diffuse gastric adenocarcinoma. Last evaluated: 2023-06-14. Review status: criteria provided, single submitter. Criteria: Myriad Autosomal Dominant, Autosomal Recessive and X-Linked Classification Criteria (2023). Collection method: clinical testing. Allele origin: unknown.
Comment: This variant is considered pathogenic. mRNA analysis has demonstrated abnormal mRNA splicing occurs [Myriad internal data]. This variant occurs within a consensus splice junction and is predicted to result in abnormal mRNA splicing of either an out-of-frame exon or an in-frame exon necessary for protein stability and/or normal function.